The following is an entry in ClinVar:

GRCh38/hg38 15q26.3(chr15:101666117-101723215)x3

Gene: TARS3 (threonyl-tRNA synthetase 3; minus strand). Cytogenetic location: 15q26.3.
Variant type: copy number gain.
Change: copy number 3 (three copies instead of two) of chr15:101,666,117-101,723,215 (57.1 kb, GRCh38 coordinates, 1-based), cytogenetic band 15q26.3.
Identifiers: ClinVar variation 57055 (VCV000057055.1).

ClinVar aggregate classification (germline): Benign (1 of 4 stars; one submission).

Submission:

ISCA site 4
Classification: Benign. Last evaluated: 2011-08-12. Review status: criteria provided, single submitter. Criteria: Kaminsky et al. (Genet Med. 2011). Collection method: clinical testing. Allele origin: unknown. Affected: yes. Observed: 1 variant allele.
Comment: Copy number variation identified through the course of routine clinical cytogenomic testing in postnatal populations. Clinical assertions have been curated as described in Kaminsky et al. 2011.